The following is an entry in ClinVar:

ClinVar aggregate classification (germline): Uncertain significance (1 of 4 stars; one submission).

Submission:

Ambry Genetics
Classification: Uncertain significance. Last evaluated: 2023-12-31. Review status: criteria provided, single submitter. Criteria: Ambry Variant Classification Scheme 2023. Collection method: clinical testing. Allele origin: germline.
Comment: The p.E2154G variant (also known as c.6461A>G), located in coding exon 48 of the PRKDC gene, results from an A to G substitution at nucleotide position 6461. The glutamic acid at codon 2154 is replaced by glycine, an amino acid with similar properties. This amino acid position is conserved. Since supporting evidence is limited at this time, the clinical significance of this alteration remains unclear.

NM_006904.7(PRKDC):c.6461A>G (p.Glu2154Gly)

Gene: PRKDC (protein kinase, DNA-activated, catalytic subunit; minus strand). Cytogenetic location: 8q11.21.
Variant type: single nucleotide variant.
Coding change: c.6461A>G on transcript NM_006904.7 (MANE Select); coding-DNA position 6461, A replaced by G.
Protein change: p.Glu2154Gly; replaces glutamic acid 2154 with glycine.
Molecular consequence: missense variant.
Genome position (GRCh38, 1-based): chr8:47,858,520, T>C on the plus strand (A>G on the coding strand, the complement: PRKDC is on the minus strand). VCF-style: chr8-47858520-T-C. GRCh37 (hg19) VCF-style: chr8-48771081-T-C.
Other names: c.6461A>G, p.Glu2154Gly (NM_001081640.2); short protein forms E2154G.
Identifiers: ClinVar variation 3225888 (VCV003225888.1), dbSNP rs2551869943, ClinGen allele CA371160404.